The following is an entry in ClinVar:

ClinVar aggregate classification (germline): Uncertain significance (1 of 4 stars; one submission).

Submission:

GeneDx
Classification: Uncertain significance. Last evaluated: 2024-09-27. Review status: criteria provided, single submitter. Criteria: GeneDx Variant Classification Process June 2021. Collection method: clinical testing. Allele origin: germline. Affected: yes.
Comment: Not observed at significant frequency in large population cohorts (gnomAD); In silico analysis supports that this missense variant has a deleterious effect on protein structure/function; Has not been previously published as pathogenic or benign to our knowledge

NM_001009944.3(PKD1):c.9145A>T (p.Thr3049Ser)

Gene: PKD1 (polycystin 1, transient receptor potential channel interacting; minus strand). Cytogenetic location: 16p13.3.
Variant type: single nucleotide variant.
Coding change: c.9145A>T on transcript NM_001009944.3 (MANE Select); coding-DNA position 9145, A replaced by T.
Protein change: p.Thr3049Ser; replaces threonine 3049 with serine.
Molecular consequence: missense variant.
Genome position (GRCh38, 1-based): chr16:2,102,437, T>A on the plus strand (A>T on the coding strand, the complement: PKD1 is on the minus strand). VCF-style: chr16-2102437-T-A. GRCh37 (hg19) VCF-style: chr16-2152438-T-A.
Other names: c.9145A>T, p.Thr3049Ser (NM_000296.4); short protein forms T3049S.
Identifiers: ClinVar variation 3774722 (VCV003774722.1).